The following is an entry in ClinVar:

NM_001868.4(CPA1):c.554C>T (p.Thr185Ile)

Gene: CPA1 (carboxypeptidase A1; plus strand). Cytogenetic location: 7q32.2.
Variant type: single nucleotide variant.
Coding change: c.554C>T on transcript NM_001868.4 (MANE Select); coding-DNA position 554, C replaced by T.
Protein change: p.Thr185Ile; replaces threonine 185 with isoleucine.
Molecular consequence: missense variant.
Genome position (GRCh38, 1-based): chr7:130,383,461, C>T. VCF-style: chr7-130383461-C-T. GRCh37 (hg19) VCF-style: chr7-130023302-C-T.
Other names: short protein forms T185I.
Identifiers: ClinVar variation 3221832 (VCV003221832.2), dbSNP rs1554411497, ClinGen allele CA369282413.

ClinVar aggregate classification (germline): Uncertain significance. Review status: criteria provided, multiple submitters, no conflicts (2 of 4 stars). 2 submissions from 2 submitters: Uncertain significance (2). Last evaluated 2023-11-10.

Conditions:
Hereditary pancreatitis (PCTT). Also called: Hereditary chronic pancreatitis; PRSS1-Related Hereditary Pancreatitis. Identifiers: Orphanet 676, MedGen C0238339, MONDO:0008185, OMIM 167800.

Allele frequency attached by ClinVar (database versions not stated): gnomAD exomes below 0.00001.
gnomAD v4.1: 1 of 1,614,204 alleles (0.000062%); highest among the groups gnomAD compares: Non-Finnish European, 0.000085%; no homozygotes.

Submissions (2):

Ambry Genetics
Classification: Uncertain significance for Hereditary pancreatitis. Last evaluated: 2023-11-10. Review status: criteria provided, single submitter. Criteria: Ambry Variant Classification Scheme 2023. Collection method: clinical testing. Allele origin: germline.
Comment: The p.T185I variant (also known as c.554C>T), located in coding exon 5 of the CPA1 gene, results from a C to T substitution at nucleotide position 554. The threonine at codon 185 is replaced by isoleucine, an amino acid with similar properties. This amino acid position is conserved. In addition, the in silico prediction for this alteration is inconclusive. Since supporting evidence is limited at this time, the clinical significance of this alteration remains unclear.

Blueprint Genetics
Classification: Uncertain significance. Last evaluated: 2022-11-30. Review status: criteria provided, single submitter. Criteria: ACMG Guidelines, 2015. Collection method: clinical testing. Allele origin: germline.